The following is an entry in ClinVar:

NM_032444.4(SLX4):c.3721C>T (p.Arg1241Cys)

Gene: SLX4 (SLX4 structure-specific endonuclease subunit; minus strand). Cytogenetic location: 16p13.3.
Variant type: single nucleotide variant.
Coding change: c.3721C>T on transcript NM_032444.4 (MANE Select); coding-DNA position 3721, C replaced by T.
Protein change: p.Arg1241Cys; replaces arginine 1241 with cysteine.
Molecular consequence: missense variant.
Genome position (GRCh38, 1-based): chr16:3,589,917, G>A on the plus strand (C>T on the coding strand, the complement: SLX4 is on the minus strand). VCF-style: chr16-3589917-G-A. GRCh37 (hg19) VCF-style: chr16-3639918-G-A.
Other names: c.3721C>T (LRG_503t1); short protein forms R1241C.
Identifiers: ClinVar variation 407917 (VCV000407917.15), dbSNP rs771835799, ClinGen allele CA7865856.

ClinVar aggregate classification (germline): Uncertain significance. Review status: criteria provided, multiple submitters, no conflicts (2 of 4 stars). 3 submissions from 3 submitters: Uncertain significance (3). Last evaluated 2025-09-28.

Conditions:
Fanconi anemia (FA). Also called: Fanconi's anemia. Identifiers: Orphanet 84, MedGen C0015625, MeSH D005199, MONDO:0019391.
Fanconi anemia complementation group P. Also called: SLX4-Related Fanconi Anemia. Identifiers: Orphanet 84, MedGen C3469542, MONDO:0013499, OMIM 613951.

Allele frequency attached by ClinVar (database versions not stated): ExAC 0.00001; gnomAD 0.00001 and 0.00002; gnomAD exomes 0.00001; TOPMed 0.00002.
gnomAD v4.1: 17 of 1,613,758 alleles (0.0011%); highest among the groups gnomAD compares: Non-Finnish European, 0.0014%; no homozygotes.

Submissions (3):

Labcorp Genetics (formerly Invitae), Labcorp
Classification: Uncertain significance for Fanconi anemia. Last evaluated: 2025-09-28. Review status: criteria provided, single submitter. Criteria: Invitae Variant Classification Sherloc (09022015). Collection method: clinical testing. Allele origin: germline.
Comment: This sequence change replaces arginine, which is basic and polar, with cysteine, which is neutral and slightly polar, at codon 1241 of the SLX4 protein (p.Arg1241Cys). This variant is present in population databases (rs771835799, gnomAD 0.002%). This variant has not been reported in the literature in individuals affected with SLX4-related conditions. ClinVar contains an entry for this variant (Variation ID: 407917). An algorithm developed to predict the effect of missense changes on protein structure and function (PolyPhen-2) suggests that this variant is likely to be tolerated. In summary, the available evidence is currently insufficient to determine the role of this variant in disease. Therefore, it has been classified as a Variant of Uncertain Significance.

Institute for Clinical Genetics, University Hospital TU Dresden, University Hospital TU Dresden
Classification: Uncertain significance. Last evaluated: 2021-11-03. Review status: criteria provided, single submitter. Criteria: ACMG Guidelines, 2015. Collection method: clinical testing. Allele origin: germline.

Illumina Laboratory Services, Illumina
Classification: Uncertain significance for Fanconi anemia complementation group P. Last evaluated: 2018-01-12. Review status: criteria provided, single submitter. Criteria: ICSL Variant Classification Criteria 13 December 2019. Collection method: clinical testing. Allele origin: germline.